The following is an entry in ClinVar:

NM_033022.4(RPS24):c.13_14del (p.Val5fs)

Gene: RPS24 (ribosomal protein S24; plus strand). Cytogenetic location: 10q22.3.
Variant type: Deletion.
Coding change: c.13_14del on transcript NM_033022.4 (MANE Select); coding-DNA positions 13 to 14, 2 bases deleted (GT; older notation c.13_14delGT).
Protein change: p.Val5fs; shifts the reading frame from valine 5.
Molecular consequence: frameshift variant.
Genome position (GRCh38, 1-based): chr10:78,035,361-78,035,362, GT deleted. VCF-style (leftmost placement, unchanged base first): chr10-78035360-CGT-C. GRCh37 (hg19) VCF-style: chr10-79795118-CGT-C.
Other names: c.13_14del, p.Val5fs (NM_001026.5, NM_001142282.2, NM_001142283.2 and 2 more transcripts); c.13_14delGT (NM_033022.3); short protein forms V5fs.
Identifiers: ClinVar variation 662877 (VCV000662877.7), dbSNP rs1589326484, ClinGen allele CA915947382.

ClinVar aggregate classification (germline): Pathogenic (1 of 4 stars; one submission).

Conditions:
Diamond-Blackfan anemia. Also called: Blackfan Diamond syndrome; Aregenerative anemia chronic congenital; Red cell aplasia, pure hereditary; Congenital hypoplastic anemia; Aase syndrome. Identifiers: Orphanet 124, MedGen C1260899, MeSH D029503, MONDO:0015253, HP:0004810.

Submission:

Labcorp Genetics (formerly Invitae), Labcorp
Classification: Pathogenic for Diamond-Blackfan anemia. Last evaluated: 2018-11-15. Review status: criteria provided, single submitter. Criteria: Invitae Variant Classification Sherloc (09022015). Collection method: clinical testing. Allele origin: germline.
Comment: For these reasons, this variant has been classified as Pathogenic. Loss-of-function variants in RPS24 are known to be pathogenic (PMID: 17186470, 20960466). This variant has not been reported in the literature in individuals with RPS24-related disease. This variant is not present in population databases (ExAC no frequency). This sequence change creates a premature translational stop signal (p.Val5Asnfs*5) in the RPS24 gene. It is expected to result in an absent or disrupted protein product.

Literature cited by the submitters: PubMed 17186470; PubMed 20960466.